The following is an entry in ClinVar:

ClinVar aggregate classification (germline): Uncertain significance (1 of 4 stars; one submission).

Submission:

Labcorp Genetics (formerly Invitae), Labcorp
Classification: Uncertain significance. Last evaluated: 2024-02-23. Review status: criteria provided, single submitter. Criteria: Invitae Variant Classification Sherloc (09022015). Collection method: clinical testing. Allele origin: germline.
Comment: This sequence change replaces glutamic acid, which is acidic and polar, with valine, which is neutral and non-polar, at codon 323 of the RETREG1 protein (p.Glu323Val). This variant is not present in population databases (gnomAD no frequency). This variant has not been reported in the literature in individuals affected with RETREG1-related conditions. ClinVar contains an entry for this variant (Variation ID: 2417844). Advanced modeling of protein sequence and biophysical properties (such as structural, functional, and spatial information, amino acid conservation, physicochemical variation, residue mobility, and thermodynamic stability) performed at Invitae indicates that this missense variant is expected to disrupt RETREG1 protein function with a positive predictive value of 80%. Algorithms developed to predict the effect of sequence changes on RNA splicing suggest that this variant may disrupt the consensus splice site. In summary, the available evidence is currently insufficient to determine the role of this variant in disease. Therefore, it has been classified as a Variant of Uncertain Significance.

NM_001034850.3(RETREG1):c.968A>T (p.Glu323Val)

Gene: RETREG1 (reticulophagy regulator 1; minus strand). Cytogenetic location: 5p15.1.
Variant type: single nucleotide variant.
Coding change: c.968A>T on transcript NM_001034850.3 (MANE Select); coding-DNA position 968, A replaced by T.
Protein change: p.Glu323Val; replaces glutamic acid 323 with valine.
Molecular consequence: missense variant.
Genome position (GRCh38, 1-based): chr5:16,477,694, T>A on the plus strand (A>T on the coding strand, the complement: RETREG1 is on the minus strand). VCF-style: chr5-16477694-T-A. GRCh37 (hg19) VCF-style: chr5-16477803-T-A.
Other names: c.545A>T, p.Glu182Val (NM_019000.5); short protein forms E182V, E323V.
Identifiers: ClinVar variation 2417844 (VCV002417844.5), dbSNP rs2477464950, ClinGen allele CA359257722.